The following is an entry in ClinVar:

NM_152468.5(TMC8):c.1340T>A (p.Leu447Gln)

Gene: TMC8 (transmembrane channel like 8; plus strand). Cytogenetic location: 17q25.3.
Variant type: single nucleotide variant.
Coding change: c.1340T>A on transcript NM_152468.5 (MANE Select); coding-DNA position 1340, T replaced by A.
Protein change: p.Leu447Gln; replaces leucine 447 with glutamine.
Molecular consequence: missense variant.
Genome position (GRCh38, 1-based): chr17:78,137,805, T>A. VCF-style: chr17-78137805-T-A. GRCh37 (hg19) VCF-style: chr17-76133886-T-A.
Other names: short protein forms L447Q.
Identifiers: ClinVar variation 1372232 (VCV001372232.6), dbSNP rs2145706305, ClinGen allele CA401249727.
Genomic context (GRCh38, chr17:78,137,805, plus strand): 5'-TGTACAAGCTGAGTATCTTCAACTTCCTCCTCACCGTGGCCTTCGCCTTCCTGGTCACCC[T>A]GCCTCGGAGGTGAGCCCCGGGGTGACACCTCCAGAAGGGCGGGGGTGCCGCGAGCATGTT-3'
Protein context (NP_689681.2, residues 437-457): LTVAFAFLVT[Leu447Gln]PRRLLVDRFS

ClinVar aggregate classification (germline): Uncertain significance (1 of 4 stars; one submission).

Conditions:
Epidermodysplasia verruciformis. Identifiers: Orphanet 302, MedGen C0014522, MONDO:0009176.

Submission:

Labcorp Genetics (formerly Invitae), Labcorp
Classification: Uncertain significance for Epidermodysplasia verruciformis. Last evaluated: 2021-11-05. Review status: criteria provided, single submitter. Criteria: Invitae Variant Classification Sherloc (09022015). Collection method: clinical testing. Allele origin: germline.
Comment: Algorithms developed to predict the effect of missense changes on protein structure and function (SIFT, PolyPhen-2, Align-GVGD) all suggest that this variant is likely to be disruptive. This sequence change replaces leucine, which is neutral and non-polar, with glutamine, which is neutral and polar, at codon 447 of the TMC8 protein (p.Leu447Gln). This variant is not present in population databases (gnomAD no frequency). This variant has not been reported in the literature in individuals affected with TMC8-related conditions. Algorithms developed to predict the effect of sequence changes on RNA splicing suggest that this variant may create or strengthen a splice site. In summary, the available evidence is currently insufficient to determine the role of this variant in disease. Therefore, it has been classified as a Variant of Uncertain Significance.